The following is an entry in ClinVar:

NM_001164277.2(SLC37A4):c.1176T>G (p.Ser392Arg)

Gene: SLC37A4 (solute carrier family 37 member 4; minus strand). Cytogenetic location: 11q23.3.
Variant type: single nucleotide variant.
Coding change: c.1176T>G on transcript NM_001164277.2 (MANE Select); coding-DNA position 1176, T replaced by G.
Protein change: p.Ser392Arg; replaces serine 392 with arginine.
Molecular consequence: missense variant.
Genome position (GRCh38, 1-based): chr11:119,025,024, A>C on the plus strand (T>G on the coding strand, the complement: SLC37A4 is on the minus strand). VCF-style: chr11-119025024-A-C. GRCh37 (hg19) VCF-style: chr11-118895734-A-C.
Other names: c.1176T>G (NM_001467.5); c.1242T>G, p.Ser414Arg (NM_001164278.2); c.957T>G, p.Ser319Arg (NM_001164279.2); c.1176T>G, p.Ser392Arg (NM_001164280.2, NM_001467.6); short protein forms S414R, S319R, S392R.
Identifiers: ClinVar variation 1366825 (VCV001366825.7), dbSNP rs782552989, ClinGen allele CA6311601.

ClinVar aggregate classification (germline): Uncertain significance. Review status: criteria provided, multiple submitters, no conflicts (2 of 4 stars). 3 submissions from 3 submitters: Uncertain significance (3). Last evaluated 2025-05-24.

Conditions:
Congenital disorder of glycosylation, type IIw. Identifiers: MedGen C5561986, MONDO:0030437, OMIM 619525.
Phosphate transport defect (GSD1C). Also called: GLYCOGEN STORAGE DISEASE Ic; GSD Ic. Identifiers: Orphanet 364, Orphanet 79259, MedGen C0342749, OMIM 232240.
Glucose-6-phosphate transport defect (GSD1B). Also called: Glycogen Storage Disease Type Ib; GSD Ib. Identifiers: Orphanet 364, Orphanet 79259, MedGen C0268146, MONDO:0009288, OMIM 232220.
Inborn genetic diseases. Identifiers: MedGen C0950123, MeSH D030342.

Allele frequency attached by ClinVar (database versions not stated): ExAC 0.00006.

Submissions (3):

Ambry Genetics
Classification: Uncertain significance for Inborn genetic diseases. Last evaluated: 2025-05-24. Review status: criteria provided, single submitter. Criteria: Ambry Variant Classification Scheme 2023. Collection method: clinical testing. Allele origin: germline.
Comment: The p.S392R variant (also known as c.1176T>G), located in coding exon 8 of the SLC37A4 gene, results from a T to G substitution at nucleotide position 1176. The serine at codon 392 is replaced by arginine, an amino acid with dissimilar properties. This amino acid position is conserved. In addition, this alteration is predicted to be tolerated by in silico analysis. Based on the available evidence, the clinical significance of this variant remains unclear.

Labcorp Genetics (formerly Invitae), Labcorp
Classification: Uncertain significance for Glucose-6-phosphate transport defect. Last evaluated: 2024-08-15. Review status: criteria provided, single submitter. Criteria: Invitae Variant Classification Sherloc (09022015). Collection method: clinical testing. Allele origin: germline.
Comment: This sequence change replaces serine, which is neutral and polar, with arginine, which is basic and polar, at codon 392 of the SLC37A4 protein (p.Ser392Arg). This variant is present in population databases (rs782552989, gnomAD 0.1%). This variant has not been reported in the literature in individuals affected with SLC37A4-related conditions. ClinVar contains an entry for this variant (Variation ID: 1366825). Invitae Evidence Modeling of protein sequence and biophysical properties (such as structural, functional, and spatial information, amino acid conservation, physicochemical variation, residue mobility, and thermodynamic stability) indicates that this missense variant is not expected to disrupt SLC37A4 protein function with a negative predictive value of 80%. In summary, the available evidence is currently insufficient to determine the role of this variant in disease. Therefore, it has been classified as a Variant of Uncertain Significance.

Fulgent Genetics
Classification: Uncertain significance for Glucose-6-phosphate transport defect; Phosphate transport defect; Congenital disorder of glycosylation, type IIw. Last evaluated: 2022-03-14. Review status: criteria provided, single submitter. Criteria: ACMG Guidelines, 2015. Collection method: clinical testing. Allele origin: unknown.